The following is an entry in ClinVar:

ClinVar aggregate classification (germline): Uncertain significance (1 of 4 stars; one submission).

gnomAD v4.1: 1 of 1,605,528 alleles (0.000062%); highest among the groups gnomAD compares: Non-Finnish European, 0.000085%; no homozygotes.

Submission:

Mayo Clinic Laboratories, Mayo Clinic
Classification: Uncertain significance. Last evaluated: 2024-07-01. Review status: criteria provided, single submitter. Criteria: ACMG Guidelines, 2015. Collection method: clinical testing. Allele origin: germline. Observed: 2 variant alleles.
Comment: PM2, PS4_moderate

Literature cited by the submitters: PubMed 35778421.

NM_001009944.3(PKD1):c.7694C>T (p.Ala2565Val)

Gene: PKD1 (polycystin 1, transient receptor potential channel interacting; minus strand). Cytogenetic location: 16p13.3.
Variant type: single nucleotide variant.
Coding change: c.7694C>T on transcript NM_001009944.3 (MANE Select); coding-DNA position 7694, C replaced by T.
Protein change: p.Ala2565Val; replaces alanine 2565 with valine.
Molecular consequence: missense variant.
Genome position (GRCh38, 1-based): chr16:2,106,100, G>A on the plus strand (C>T on the coding strand, the complement: PKD1 is on the minus strand). VCF-style: chr16-2106100-G-A. GRCh37 (hg19) VCF-style: chr16-2156101-G-A.
Other names: p.Ala2565Val; c.7694C>T, p.Ala2565Val (NM_000296.4); short protein forms A2565V.
Identifiers: ClinVar variation 3380349 (VCV003380349.1).
Genomic context (GRCh38, chr16:2,106,100, plus strand): 5'-GGTGGTGAGCAGGTGGCAGTCTCGGGGGCGCCCTCCCACGGCCTGGCTCACCTGTTGAGG[G>A]CGACCACAGCGGCTCCCAGCTGGTCCTGCACCACCACGGCCAGGCCCACCTCGAAGTGTG-3'
Protein context (NP_001009944.3, residues 2555-2575): VQDQLGAAVV[Ala2565Val]LNRSLAITLP